The following is an entry in ClinVar:

NM_002582.4(PARN):c.1789T>C (p.Cys597Arg)

Gene: PARN (poly(A)-specific ribonuclease; minus strand). Cytogenetic location: 16p13.12.
Variant type: single nucleotide variant.
Coding change: c.1789T>C on transcript NM_002582.4 (MANE Select); coding-DNA position 1789, T replaced by C.
Protein change: p.Cys597Arg; replaces cysteine 597 with arginine.
Molecular consequence: missense variant.
Genome position (GRCh38, 1-based): chr16:14,446,963, A>G on the plus strand (T>C on the coding strand, the complement: PARN is on the minus strand). VCF-style: chr16-14446963-A-G. GRCh37 (hg19) VCF-style: chr16-14540820-A-G.
Other names: c.1789T>C, p.Cys597Arg (LRG_1286t1); c.1606T>C, p.Cys536Arg (NM_001134477.3); c.1651T>C, p.Cys551Arg (NM_001242992.2); short protein forms C597R, C536R, C551R.
Identifiers: ClinVar variation 654763 (VCV000654763.9), dbSNP rs1596433239, ClinGen allele CA395184370.
Genomic context (GRCh38, chr16:14,446,963, plus strand): 5'-CCTTCTTCATTCTTTTTAATTTCTTGGCCTTTTTCCTTCCCTCTGAGAGGGGCTCTGCAC[A>G]GGAATCGGTCTGCTCAAGCTCAGTGTCGGAAATCTCCCCTGACACTCCGTCCTCCAGGCC-3'
Protein context (NP_002573.1, residues 587-607): SDTELEQTDS[Cys597Arg]AEPLSEGRKK

ClinVar aggregate classification (germline): Uncertain significance (1 of 4 stars; one submission).

Conditions:
Dyskeratosis congenita, autosomal recessive 6 (DKCB6). Identifiers: MedGen C4225356, MONDO:0014600, OMIM 616353.
Pulmonary fibrosis and/or bone marrow failure, Telomere-related, 4. Also called: PULMONARY FIBROSIS AND/OR BONE MARROW FAILURE SYNDROME, TELOMERE-RELATED, 4. Identifiers: Orphanet 2032, MedGen C4225347, MONDO:0014612, OMIM 616371.

Submission:

Labcorp Genetics (formerly Invitae), Labcorp
Classification: Uncertain significance for Dyskeratosis congenita, autosomal recessive 6; Pulmonary fibrosis and/or bone marrow failure, Telomere-related, 4. Last evaluated: 2022-08-07. Review status: criteria provided, single submitter. Criteria: Invitae Variant Classification Sherloc (09022015). Collection method: clinical testing. Allele origin: germline.
Comment: ClinVar contains an entry for this variant (Variation ID: 654763). In summary, the available evidence is currently insufficient to determine the role of this variant in disease. Therefore, it has been classified as a Variant of Uncertain Significance. Algorithms developed to predict the effect of missense changes on protein structure and function (SIFT, PolyPhen-2, Align-GVGD) all suggest that this variant is likely to be tolerated. This variant has not been reported in the literature in individuals affected with PARN-related conditions. This variant is not present in population databases (gnomAD no frequency). This sequence change replaces cysteine, which is neutral and slightly polar, with arginine, which is basic and polar, at codon 597 of the PARN protein (p.Cys597Arg).